The following is an entry in ClinVar:

NM_001005242.3(PKP2):c.1938C>T (p.Ile646=)

Gene: PKP2 (plakophilin 2; minus strand). Cytogenetic location: 12p11.21.
Variant type: single nucleotide variant.
Coding change: c.1938C>T on transcript NM_001005242.3 (MANE Select); coding-DNA position 1938, C replaced by T.
Protein change: p.Ile646=; no amino-acid change (isoleucine 646 retained).
Molecular consequence: synonymous variant.
Genome position (GRCh38, 1-based): chr12:32,821,431, G>A on the plus strand (C>T on the coding strand, the complement: PKP2 is on the minus strand). VCF-style: chr12-32821431-G-A. GRCh37 (hg19) VCF-style: chr12-32974365-G-A.
Other names: c.1938C>T, p.Ile646= (NM_001407155.1, NM_001407161.1); c.1773C>T, p.Ile591= (NM_001407156.1); c.2070C>T, p.Ile690= (NM_001407157.1, NM_004572.4); c.1611C>T, p.Ile537= (NM_001407158.1, NM_001407159.1, NM_001407160.1 and 1 more transcripts).
Identifiers: ClinVar variation 3072905 (VCV003072905.4), dbSNP rs538127756, ClinGen allele CA032507.

ClinVar aggregate classification (germline): Conflicting classifications of pathogenicity. Review status: criteria provided, conflicting classifications (1 of 4 stars). 3 submissions from 3 submitters: Uncertain significance (1); Likely benign (2). Last evaluated 2025-05-31.

Conditions:
Arrhythmogenic right ventricular dysplasia 9 (ARVD9). Also called: Arrhythmogenic Right Ventricular Dysplasia/Cardiomyopathy 9; ARRHYTHMOGENIC RIGHT VENTRICULAR DYSPLASIA, FAMILIAL, 9. Identifiers: MedGen C1836906, MONDO:0012180, OMIM 609040.
Cardiomyopathy (CMYO). Also called: Cardiomyopathies. Identifiers: Orphanet 167848, MedGen C0878544, MONDO:0004994, HP:0001638. Inheritance: Various modes of inheritance.
Arrhythmogenic right ventricular cardiomyopathy (ARVD). Also called: Arrhythmogenic right ventricular dysplasia; Cardiomyopathy, ARVC; Arrhythmogenic cardiomyopathy; Arrhythmogenic Right Ventricular Cardiomyopathy (ARVC). Identifiers: Orphanet 247, MedGen C0349788, MeSH D019571, MONDO:0016587. Disease mechanism: loss of function. Inheritance: Various modes of inheritance.

Allele frequency attached by ClinVar (database versions not stated): gnomAD 0.00001; TOPMed 0.00001; ExAC 0.00003; 1000 Genomes Project 30x 0.00016; 1000 Genomes Project 0.00020.

Submissions (3):

Color Diagnostics, LLC DBA Color Health
Classification: Likely benign for Cardiomyopathy. Last evaluated: 2025-05-31. Review status: criteria provided, single submitter. Criteria: ACMG Guidelines, 2015. Collection method: clinical testing. Allele origin: germline.

Labcorp Genetics (formerly Invitae), Labcorp
Classification: Likely benign for Arrhythmogenic right ventricular dysplasia 9. Last evaluated: 2025-04-13. Review status: criteria provided, single submitter. Criteria: Invitae Variant Classification Sherloc (09022015). Collection method: clinical testing. Allele origin: germline.

All of Us Research Program, National Institutes of Health
Classification: Uncertain significance for Arrhythmogenic right ventricular cardiomyopathy. Last evaluated: 2023-08-15. Review status: criteria provided, single submitter. Criteria: ACMG Guidelines, 2015. Collection method: clinical testing. Allele origin: germline. Inheritance: Autosomal dominant inheritance. Observed: 1 variant allele, 1 heterozygote.
Comment: This variant is located in the PKP2 protein. To our knowledge, functional studies have not been reported for this variant. This variant has not been reported in individuals affected with PKP2-related disorders in the literature. This variant has been identified in 5/251376 chromosomes in the general population by the Genome Aggregation Database (gnomAD). The available evidence is insufficient to determine the role of this variant in disease conclusively. Therefore, this variant is classified as a Variant of Uncertain Significance.

This study involves interpretation of variants in research participants for the purpose of population health screening. Participant phenotype was not available at the time of variant classification. Additional details can be found in publication PMID: 35346344, PMCID: PMC8962531